The following is an entry in ClinVar:

NM_012418.4(FSCN2):c.1099T>C (p.Phe367Leu)

Gene: FSCN2 (fascin actin-bundling protein 2, retinal; plus strand). Cytogenetic location: 17q25.3.
Variant type: single nucleotide variant.
Coding change: c.1099T>C on transcript NM_012418.4 (MANE Select); coding-DNA position 1099, T replaced by C.
Protein change: p.Phe367Leu; replaces phenylalanine 367 with leucine.
Molecular consequence: missense variant.
Genome position (GRCh38, 1-based): chr17:81,536,261, T>C. VCF-style: chr17-81536261-T-C. GRCh37 (hg19) VCF-style: chr17-79503287-T-C.
Other names: c.1099T>C, p.Phe367Leu (NM_001077182.3); short protein forms F367L.
Identifiers: ClinVar variation 856999 (VCV000856999.11), dbSNP rs200938099, ClinGen allele CA8836955.

ClinVar aggregate classification (germline): Likely benign. Review status: criteria provided, single submitter (1 of 4 stars). 2 submissions from 2 submitters: Likely benign (1). 1 of the submissions does not count toward it. Last evaluated 2026-01-01.

Conditions:
FSCN2-related disorder. Also called: FSCN2-related condition.

Allele frequency attached by ClinVar (database versions not stated): ESP Exome Variant Server 0.00008; gnomAD exomes 0.00019 and 0.00031; gnomAD 0.00028 and 0.00030; ExAC 0.00032; TOPMed 0.00047.
gnomAD v4.1: 334 of 1,598,414 alleles (0.021%); highest among the groups gnomAD compares: Middle Eastern, 0.082%; 1 homozygote.

Submissions (2):

Labcorp Genetics (formerly Invitae), Labcorp
Classification: Likely benign. Last evaluated: 2026-01-01. Review status: criteria provided, single submitter. Criteria: Invitae Variant Classification Sherloc (09022015). Collection method: clinical testing. Allele origin: germline.

PreventionGenetics, part of Exact Sciences
Classification: Likely benign for FSCN2-related condition. Last evaluated: 2022-03-09. Review status: no assertion criteria provided. Collection method: clinical testing. Allele origin: germline. Not counted in ClinVar's aggregate classification.
Comment: This variant is classified as likely benign based on ACMG/AMP sequence variant interpretation guidelines (Richards et al. 2015 PMID: 25741868, with internal and published modifications).